The following is an entry in ClinVar:

ClinVar aggregate classification (germline): Uncertain significance (1 of 4 stars; one submission).

Conditions:
Developmental and epileptic encephalopathy, 42 (DEE42A). Also called: Epileptic encephalopathy, early infantile, 42; DEVELOPMENTAL AND EPILEPTIC ENCEPHALOPATHY 42A; EPILEPTIC ENCEPHALOPATHY, EARLY INFANTILE, 42A. Identifiers: MedGen C4310716, MONDO:0014917, OMIM 617106.

Allele frequency attached by ClinVar (database versions not stated): gnomAD 0.00001.
gnomAD v4.1: 5 of 1,443,956 alleles (0.00035%); highest among the groups gnomAD compares: South Asian, 0.0073%; no homozygotes.

Submission:

Foundation for Research in Genetics and Endocrinology, FRIGE's Institute of Human Genetics
Classification: Uncertain significance for Developmental and epileptic encephalopathy, 42. Last evaluated: 2021-03-02. Review status: criteria provided, single submitter. Criteria: ACMG Guidelines, 2015. Collection method: research. Allele origin: maternal. Inheritance: Autosomal dominant inheritance. Affected: yes. Observed: 1 heterozygote.
Comment: A heterozygous missense variation in exon 47 of the CACNA1A gene that results in the amino acid substitution of Alanine for Proline at codon 2301 was detected. The observed variant c.6901C>G (p.Pro2301Ala) has not been reported in the 1000 genomes and gnomAD databases. The in-silico prediction of the variant is damaging by SIFT and MutationTaster2. The reference codon is conserved across species. In summary, the variant meets our criteria to be classified as a variant of uncertain significance.

NM_001127222.2(CACNA1A):c.6901C>G (p.Pro2301Ala)

Gene: CACNA1A (calcium voltage-gated channel subunit alpha1 A; minus strand). Cytogenetic location: 19p13.13.
Variant type: single nucleotide variant.
Coding change: c.6901C>G on transcript NM_001127222.2 (MANE Select); coding-DNA position 6901, C replaced by G.
Protein change: p.Pro2301Ala; replaces proline 2301 with alanine.
Molecular consequence: missense variant. On other transcripts: 3 prime UTR variant (3).
Genome position (GRCh38, 1-based): chr19:13,207,933, G>C on the plus strand (C>G on the coding strand, the complement: CACNA1A is on the minus strand). VCF-style: chr19-13207933-G-C. GRCh37 (hg19) VCF-style: chr19-13318747-G-C.
Other names: p.Pro2301Ala; c.*113C>G (NM_000068.4, NM_001127221.2, NM_001174080.2); c.6919C>G, p.Pro2307Ala (NM_023035.3); short protein forms P2301A, P2307A.
Identifiers: ClinVar variation 1300135 (VCV001300135.3), dbSNP rs1351010453, ClinGen allele CA404328858.